The following is an entry in ClinVar:

NM_004973.4(JARID2):c.1320C>G (p.Ser440=)

Gene: JARID2 (jumonji and AT-rich interaction domain containing 2; plus strand). Cytogenetic location: 6p22.3.
Variant type: single nucleotide variant.
Coding change: c.1320C>G on transcript NM_004973.4 (MANE Select); coding-DNA position 1320, C replaced by G.
Protein change: p.Ser440=; no amino-acid change (serine 440 retained).
Molecular consequence: synonymous variant.
Genome position (GRCh38, 1-based): chr6:15,496,545, C>G. VCF-style: chr6-15496545-C-G. GRCh37 (hg19) VCF-style: chr6-15496776-C-G.
Other names: c.804C>G, p.Ser268= (NM_001267040.1).
Identifiers: ClinVar variation 3045195 (VCV003045195.2), dbSNP rs200640529, ClinGen allele CA3642851.

ClinVar aggregate classification (germline): Likely benign (0 of 4 stars; one submission).

Conditions:
JARID2-related disorder. Also called: JARID2-related condition.

Allele frequency attached by ClinVar (database versions not stated): gnomAD 0.00018; ExAC 0.00021.
gnomAD v4.1: 260 of 1,607,956 alleles (0.016%); highest among the groups gnomAD compares: Middle Eastern, 0.05%; no homozygotes.

Submission:

PreventionGenetics, part of Exact Sciences
Classification: Likely benign for JARID2-related condition. Last evaluated: 2019-11-07. Review status: no assertion criteria provided. Collection method: clinical testing. Allele origin: germline.
Comment: This variant is classified as likely benign based on ACMG/AMP sequence variant interpretation guidelines (Richards et al. 2015 PMID: 25741868, with internal and published modifications).